The following is an entry in ClinVar:

NM_031220.4(PITPNM3):c.1813C>T (p.Arg605Cys)

Gene: PITPNM3 (PITPNM family member 3; minus strand). Cytogenetic location: 17p13.2.
Variant type: single nucleotide variant.
Coding change: c.1813C>T on transcript NM_031220.4 (MANE Select); coding-DNA position 1813, C replaced by T.
Protein change: p.Arg605Cys; replaces arginine 605 with cysteine.
Molecular consequence: missense variant.
Genome position (GRCh38, 1-based): chr17:6,468,302, G>A on the plus strand (C>T on the coding strand, the complement: PITPNM3 is on the minus strand). VCF-style: chr17-6468302-G-A. GRCh37 (hg19) VCF-style: chr17-6371622-G-A.
Other names: c.1705C>T, p.Arg569Cys (NM_001165966.2); short protein forms R569C, R605C.
Identifiers: ClinVar variation 1006646 (VCV001006646.8), dbSNP rs371392233, ClinGen allele CA8329372.

ClinVar aggregate classification (germline): Uncertain significance. Review status: criteria provided, multiple submitters, no conflicts (2 of 4 stars). 2 submissions from 2 submitters: Uncertain significance (2). Last evaluated 2022-10-01.

Allele frequency attached by ClinVar (database versions not stated): ExAC 0.00001; gnomAD exomes 0.00002; gnomAD 0.00003; TOPMed 0.00003; ESP Exome Variant Server 0.00008.
gnomAD v4.1: 30 of 1,613,974 alleles (0.0019%); highest among the groups gnomAD compares: African/African-American, 0.0027%; no homozygotes.

Submissions (2):

Labcorp Genetics (formerly Invitae), Labcorp
Classification: Uncertain significance. Last evaluated: 2022-10-01. Review status: criteria provided, single submitter. Criteria: Invitae Variant Classification Sherloc (09022015). Collection method: clinical testing. Allele origin: germline.
Comment: Algorithms developed to predict the effect of missense changes on protein structure and function are either unavailable or do not agree on the potential impact of this missense change (SIFT: "Deleterious"; PolyPhen-2: "Benign"; Align-GVGD: "Class C0"). ClinVar contains an entry for this variant (Variation ID: 1006646). This variant has not been reported in the literature in individuals affected with PITPNM3-related conditions. This variant is present in population databases (rs371392233, gnomAD 0.004%). This sequence change replaces arginine, which is basic and polar, with cysteine, which is neutral and slightly polar, at codon 605 of the PITPNM3 protein (p.Arg605Cys). In summary, the available evidence is currently insufficient to determine the role of this variant in disease. Therefore, it has been classified as a Variant of Uncertain Significance.

GeneDx
Classification: Uncertain significance. Last evaluated: 2019-08-05. Review status: criteria provided, single submitter. Criteria: GeneDx Variant Classification Process June 2021. Collection method: clinical testing. Allele origin: germline. Affected: yes.
Comment: In silico analysis, which includes protein predictors and evolutionary conservation, supports that this variant does not alter protein structure/function; Has not been previously published as pathogenic or benign to our knowledge